The following is an entry in ClinVar:

ClinVar aggregate classification (germline): Uncertain significance. Review status: criteria provided, multiple submitters, no conflicts (2 of 4 stars). 3 submissions from 3 submitters: Uncertain significance (2). 1 of the submissions does not count toward it. Last evaluated 2024-07-09.

Conditions:
Autosomal recessive osteopetrosis 1. Also called: ALBERS-SCHONBERG DISEASE, AUTOSOMAL RECESSIVE; TCIRG1-Related Osteopetrosis; TCIRG1-Related Autosomal Recessive Osteopetrosis. Identifiers: Orphanet 667, MedGen C1850127, MONDO:0009815, OMIM 259700.
Inborn genetic diseases. Identifiers: MedGen C0950123, MeSH D030342.

Allele frequency attached by ClinVar (database versions not stated): gnomAD 0.00001; gnomAD exomes 0.00001; TOPMed 0.00002.
gnomAD v4.1: 14 of 1,543,316 alleles (0.00091%); highest among the groups gnomAD compares: South Asian, 0.0012%; no homozygotes.

Submissions (3):

Ambry Genetics
Classification: Uncertain significance for Inborn genetic diseases. Last evaluated: 2024-07-09. Review status: criteria provided, single submitter. Criteria: Ambry Variant Classification Scheme 2023. Collection method: clinical testing. Allele origin: germline.

Labcorp Genetics (formerly Invitae), Labcorp
Classification: Uncertain significance. Last evaluated: 2021-08-27. Review status: criteria provided, single submitter. Criteria: Invitae Variant Classification Sherloc (09022015). Collection method: clinical testing. Allele origin: germline.
Comment: This sequence change replaces arginine with cysteine at codon 184 of the TCIRG1 protein (p.Arg184Cys). The arginine residue is highly conserved and there is a large physicochemical difference between arginine and cysteine. The frequency data for this variant in the population databases is considered unreliable, as metrics indicate insufficient coverage at this position in the ExAC database. This variant has not been reported in the literature in individuals affected with TCIRG1-related conditions. Algorithms developed to predict the effect of missense changes on protein structure and function are either unavailable or do not agree on the potential impact of this missense change (SIFT: "Deleterious"; PolyPhen-2: "Probably Damaging"; Align-GVGD: "Class C0"). In summary, the available evidence is currently insufficient to determine the role of this variant in disease. Therefore, it has been classified as a Variant of Uncertain Significance.

Natera, Inc.
Classification: Uncertain significance for Infantile malignant osteopetrosis. Last evaluated: 2021-06-27. Review status: no assertion criteria provided. Collection method: clinical testing. Allele origin: germline. Not counted in ClinVar's aggregate classification.

NM_006019.4(TCIRG1):c.550C>T (p.Arg184Cys)

Gene: TCIRG1 (T cell immune regulator 1, ATPase H+ transporting V0 subunit a3; plus strand). Cytogenetic location: 11q13.2.
Variant type: single nucleotide variant.
Coding change: c.550C>T on transcript NM_006019.4 (MANE Select); coding-DNA position 550, C replaced by T.
Protein change: p.Arg184Cys; replaces arginine 184 with cysteine.
Molecular consequence: missense variant. On other transcripts: 5 prime UTR variant (2).
Genome position (GRCh38, 1-based): chr11:68,043,417, C>T. VCF-style: chr11-68043417-C-T. GRCh37 (hg19) VCF-style: chr11-67810884-C-T.
Other names: c.550C>T (NM_006019.3); c.-361C>T (NM_001351059.2); c.-99C>T (NM_006053.4); short protein forms R184C.
Identifiers: ClinVar variation 1037133 (VCV001037133.4), dbSNP rs1375468915, ClinGen allele CA381577191.